The following is an entry in ClinVar:

NM_025074.7(FRAS1):c.11653T>A (p.Ser3885Thr)

Gene: FRAS1 (Fraser extracellular matrix complex subunit 1; plus strand). Cytogenetic location: 4q21.21.
Variant type: single nucleotide variant.
Coding change: c.11653T>A on transcript NM_025074.7 (MANE Select); coding-DNA position 11653, T replaced by A.
Protein change: p.Ser3885Thr; replaces serine 3885 with threonine.
Molecular consequence: missense variant.
Genome position (GRCh38, 1-based): chr4:78,540,738, T>A. VCF-style: chr4-78540738-T-A. GRCh37 (hg19) VCF-style: chr4-79461892-T-A.
Other names: short protein forms S3885T.
Identifiers: ClinVar variation 2631748 (VCV002631748.1), dbSNP rs1247181811, ClinGen allele CA357384493.

ClinVar aggregate classification (germline): Uncertain significance (1 of 4 stars; one submission).

Conditions:
FRAS1-related disorder. Also called: FRAS1-related condition.

Allele frequency attached by ClinVar (database versions not stated): gnomAD exomes 0.00001.
gnomAD v4.1: 4 of 1,613,754 alleles (0.00025%); highest among the groups gnomAD compares: South Asian, 0.0044%; no homozygotes.

Submission:

PreventionGenetics, part of Exact Sciences
Classification: Uncertain significance for FRAS1-related condition. Last evaluated: 2023-08-07. Review status: criteria provided, single submitter. Criteria: ACMG Guidelines, 2015. Collection method: clinical testing. Allele origin: germline.
Comment: The FRAS1 c.11653T>A variant is predicted to result in the amino acid substitution p.Ser3885Thr. To our knowledge, this variant has not been reported in the literature. This variant is reported in 0.0033% of alleles in individuals of South Asian descent in gnomAD. At this time, the clinical significance of this variant is uncertain due to the absence of conclusive functional and genetic evidence.